The following is an entry in ClinVar:

ClinVar aggregate classification (germline): Uncertain significance (1 of 4 stars; one submission).

Conditions:
Mucopolysaccharidosis, MPS-III-D (MPS3D). Also called: N-ACETYLGLUCOSAMINE-6-SULFATASE DEFICIENCY; SANFILIPPO SYNDROME D; MPS III D; Mucopoly-saccharidosis type 3D; N-acetylglucosamine-6-sulfate sulfatase deficiency; MPS 3D. Identifiers: Orphanet 581, Orphanet 79272, MedGen C0086650, MONDO:0009658, OMIM 252940.

Submission:

Labcorp Genetics (formerly Invitae), Labcorp
Classification: Uncertain significance for Mucopolysaccharidosis, MPS-III-D. Last evaluated: 2021-05-03. Review status: criteria provided, single submitter. Criteria: Invitae Variant Classification Sherloc (09022015). Collection method: clinical testing. Allele origin: germline.
Comment: Nucleotide substitutions within the consensus splice site are a relatively common cause of aberrant splicing (PMID: 17576681, 9536098). Algorithms developed to predict the effect of sequence changes on RNA splicing suggest that this variant may disrupt the consensus splice site, but this prediction has not been confirmed by published transcriptional studies. This variant has not been reported in the literature in individuals with GNS-related conditions. This variant is not present in population databases (ExAC no frequency). This sequence change affects codon 175 of the GNS mRNA. It is a 'silent' change, meaning that it does not change the encoded amino acid sequence of the GNS protein. This variant also falls at the last nucleotide of exon 4, which is part of the consensus splice site for this exon. In summary, the available evidence is currently insufficient to determine the role of this variant in disease. Therefore, it has been classified as a Variant of Uncertain Significance.

Literature cited by the submitters: PubMed 17576681; PubMed 9536098.

NM_002076.4(GNS):c.525G>A (p.Leu175=)

Gene: GNS (glucosamine (N-acetyl)-6-sulfatase; minus strand). Cytogenetic location: 12q14.3.
Variant type: single nucleotide variant.
Coding change: c.525G>A on transcript NM_002076.4 (MANE Select); coding-DNA position 525, G replaced by A.
Protein change: p.Leu175=; no amino-acid change (leucine 175 retained).
Molecular consequence: synonymous variant.
Genome position (GRCh38, 1-based): chr12:64,745,659, C>T on the plus strand (G>A on the coding strand, the complement: GNS is on the minus strand). VCF-style: chr12-64745659-C-T. GRCh37 (hg19) VCF-style: chr12-65139439-C-T.
Identifiers: ClinVar variation 1440594 (VCV001440594.6), dbSNP rs2136248840, ClinGen allele CA480560580.